The following is an entry in ClinVar:

NM_181523.3(PIK3R1):c.485G>A (p.Arg162Gln)

Gene: PIK3R1 (phosphoinositide-3-kinase regulatory subunit 1; plus strand). Cytogenetic location: 5q13.1.
Variant type: single nucleotide variant.
Coding change: c.485G>A on transcript NM_181523.3 (MANE Select); coding-DNA position 485, G replaced by A.
Protein change: p.Arg162Gln; replaces arginine 162 with glutamine.
Molecular consequence: missense variant.
Genome position (GRCh38, 1-based): chr5:68,273,996, G>A. VCF-style: chr5-68273996-G-A. GRCh37 (hg19) VCF-style: chr5-67569824-G-A.
Other names: short protein forms R162Q.
Identifiers: ClinVar variation 4791134 (VCV004791134.1).

ClinVar aggregate classification (germline): Uncertain significance (1 of 4 stars; one submission).

Conditions:
Agammaglobulinemia 7, autosomal recessive (AGM7). Also called: AGAMMAGLOBULINEMIA, AUTOSOMAL RECESSIVE, DUE TO PIK3R1 DEFECT. Identifiers: MedGen C3554689, MONDO:0014083, OMIM 615214.
SHORT syndrome. Also called: SHORT STATURE, HYPEREXTENSIBILITY, HERNIA, OCULAR DEPRESSION, RIEGER ANOMALY, AND TEETHING DELAY; LIPODYSTROPHY, PARTIAL, WITH RIEGER ANOMALY AND SHORT STATURE; PIK3R1-Related SHORT Syndrome. Identifiers: Orphanet 3163, MedGen C0878684, MONDO:0010026, OMIM 269880.
Immunodeficiency 36 with lymphoproliferation. Also called: Immunodeficiency 36; Activated PI3K Delta Syndrome Type 2 (APDS2); ACTIVATED PI3K-DELTA SYNDROME 2. Identifiers: Orphanet 397596, Orphanet 693681, MedGen C4014934, MONDO:0014453, OMIM 616005.

gnomAD v4.1: 10 of 1,613,726 alleles (0.00062%); highest among the groups gnomAD compares: African/African-American, 0.0027%; no homozygotes.

Submission:

Labcorp Genetics (formerly Invitae), Labcorp
Classification: Uncertain significance for SHORT syndrome; Immunodeficiency 36 with lymphoproliferation; Agammaglobulinemia 7, autosomal recessive. Last evaluated: 2025-12-15. Review status: criteria provided, single submitter. Criteria: Invitae Variant Classification Sherloc (09022015). Collection method: clinical testing. Allele origin: germline.
Comment: This sequence change replaces arginine, which is basic and polar, with glutamine, which is neutral and polar, at codon 162 of the PIK3R1 protein (p.Arg162Gln). This variant is present in population databases (rs755300178, gnomAD 0.002%). This variant has not been reported in the literature in individuals affected with PIK3R1-related conditions. An algorithm developed to predict the effect of missense changes on protein structure and function (PolyPhen-2) suggests that this variant is likely to be tolerated. In summary, the available evidence is currently insufficient to determine the role of this variant in disease. Therefore, it has been classified as a Variant of Uncertain Significance.